The following is an entry in ClinVar:

NM_001371279.1(REEP1):c.112T>C (p.Trp38Arg)

Gene: REEP1 (receptor accessory protein 1; minus strand). Cytogenetic location: 2p11.2.
Variant type: single nucleotide variant.
Coding change: c.112T>C on transcript NM_001371279.1 (MANE Select); coding-DNA position 112, T replaced by C.
Protein change: p.Trp38Arg; replaces tryptophan 38 with arginine.
Molecular consequence: missense variant.
Genome position (GRCh38, 1-based): chr2:86,264,035, A>G on the plus strand (T>C on the coding strand, the complement: REEP1 is on the minus strand). VCF-style: chr2-86264035-A-G. GRCh37 (hg19) VCF-style: chr2-86491158-A-G.
Other names: c.133T>C, p.Trp45Arg (NM_001164730.2); c.31T>C, p.Trp11Arg (NM_001164731.2); c.112T>C, p.Trp38Arg (NM_001164732.2, NM_001371280.1, NM_001410855.1 and 2 more transcripts); short protein forms W11R, W38R, W45R.
Identifiers: ClinVar variation 5016967 (VCV005016967.1).
Genomic context (GRCh38, chr2:86,264,035, plus strand): 5'-AGATGTCTGTGAATGTCTCTGCTGTGGTGAAAAGTGCAAATATAATCCAGTACATCATCC[A>G]TTTGACCTGTTGAAACAGAAAGCAACACAGCTGGTAGAAAAGGTCCAGGAAAAACACTGC-3'
Protein context (NP_001358208.1, residues 28-48): KSKDIKEYVK[Trp38Arg]MMYWIIFALF

ClinVar aggregate classification (germline): Uncertain significance (1 of 4 stars; one submission).

gnomAD v4.1: 1 of 1,612,862 alleles (0.000062%); highest among the groups gnomAD compares: Non-Finnish European, 0.000085%; no homozygotes.

Submission:

GeneDx
Classification: Uncertain significance. Last evaluated: 2026-03-25. Review status: criteria provided, single submitter. Criteria: GeneDx Variant Classification Process June 2021. Collection method: clinical testing. Allele origin: germline.
Comment: Not observed at significant frequency in large population cohorts (gnomAD); In silico analysis supports that this missense variant has a deleterious effect on protein structure/function; Has not been previously published as pathogenic or benign to our knowledge